The following is an entry in ClinVar:

NM_000116.5(TAFAZZIN):c.47C>G (p.Thr16Ser)

Genes: TAFAZZIN (tafazzin, phospholipid-lysophospholipid transacylase; plus strand), DNASE1L1 (deoxyribonuclease 1 like 1; minus strand), LOC130068869 (ATAC-STARR-seq lymphoblastoid silent region 21101; plus strand). Cytogenetic location: Xq28.
Variant type: single nucleotide variant.
Coding change: c.47C>G on transcript NM_000116.5 (MANE Select); coding-DNA position 47, C replaced by G.
Protein change: p.Thr16Ser; replaces threonine 16 with serine.
Molecular consequence: missense variant. On other transcripts: non-coding transcript variant (1), splice donor variant (3).
Genome position (GRCh38, 1-based): chrX:154,411,890, C>G. VCF-style: chrX-154411890-C-G. GRCh37 (hg19) VCF-style: chrX-153640227-C-G.
Other names: c.47C>G, p.Thr16Ser (NM_001303465.2, NM_001410698.1, NM_001440856.1 and 5 more transcripts); c.-88+1G>C (NM_001009934.3); c.-173+1G>C (NM_001009933.3); c.-431+1G>C (NM_001009932.3); short protein forms T16S.
Identifiers: ClinVar variation 956076 (VCV000956076.3), dbSNP rs1227132566, ClinGen allele CA415178178.

ClinVar aggregate classification (germline): Uncertain significance (1 of 4 stars; one submission).

Conditions:
3-Methylglutaconic aciduria type 2 (BTHS). Also called: Barth syndrome; CARDIOSKELETAL MYOPATHY WITH NEUTROPENIA AND ABNORMAL MITOCHONDRIA. Identifiers: Orphanet 111, MedGen C0574083, MONDO:0010543, OMIM 302060.

Submission:

Labcorp Genetics (formerly Invitae), Labcorp
Classification: Uncertain significance for 3-Methylglutaconic aciduria type 2. Last evaluated: 2019-11-15. Review status: criteria provided, single submitter. Criteria: Invitae Variant Classification Sherloc (09022015). Collection method: clinical testing. Allele origin: germline.
Comment: This sequence change replaces threonine with serine at codon 16 of the TAZ protein (p.Thr16Ser). The threonine residue is weakly conserved and there is a small physicochemical difference between threonine and serine. This variant is not present in population databases (ExAC no frequency). This variant has not been reported in the literature in individuals with TAZ-related conditions. Algorithms developed to predict the effect of missense changes on protein structure and function output the following: SIFT: "Tolerated"; PolyPhen-2: "Benign"; Align-GVGD: "Class C0". The serine amino acid residue is found in multiple mammalian species, suggesting that this missense change does not adversely affect protein function. These predictions have not been confirmed by published functional studies and their clinical significance is uncertain. Algorithms developed to predict the effect of sequence changes on RNA splicing suggest that this variant may create or strengthen a splice site, but this prediction has not been confirmed by published transcriptional studies. In summary, the available evidence is currently insufficient to determine the role of this variant in disease. Therefore, it has been classified as a Variant of Uncertain Significance.